The following is an entry in ClinVar:

ClinVar aggregate classification (germline): Pathogenic (1 of 4 stars; one submission).

Conditions:
Methylcobalamin deficiency type cblE (HMAE). Also called: HOMOCYSTINURIA-MEGALOBLASTIC ANEMIA, cblE COMPLEMENTATION TYPE; VITAMIN B12-RESPONSIVE HOMOCYSTINURIA, cblE TYPE; HOMOCYSTINURIA-MEGALOBLASTIC ANEMIA, cblE TYPE. Identifiers: Orphanet 2169, Orphanet 622, MedGen C1856057, MONDO:0009354, OMIM 236270.

Submission:

Labcorp Genetics (formerly Invitae), Labcorp
Classification: Pathogenic for Methylcobalamin deficiency type cblE. Last evaluated: 2022-06-23. Review status: criteria provided, single submitter. Criteria: Invitae Variant Classification Sherloc (09022015). Collection method: clinical testing. Allele origin: germline.
Comment: For these reasons, this variant has been classified as Pathogenic. This variant has not been reported in the literature in individuals affected with MTRR-related conditions. This variant is not present in population databases (gnomAD no frequency). This sequence change creates a premature translational stop signal (p.Asp311Leufs*7) in the MTRR gene. It is expected to result in an absent or disrupted protein product. Loss-of-function variants in MTRR are known to be pathogenic (PMID: 15714522).

Literature cited by the submitters: PubMed 15714522.

NM_002454.3(MTRR):c.930_934del (p.Asp311fs)

Gene: MTRR (5-methyltetrahydrofolate-homocysteine methyltransferase reductase; plus strand). Cytogenetic location: 5p15.31.
Variant type: Deletion.
Coding change: c.930_934del on transcript NM_002454.3 (MANE Select); coding-DNA positions 930 to 934, 5 bases deleted (AGATG; older notation c.930_934delAGATG).
Protein change: p.Asp311fs; shifts the reading frame from aspartic acid 311.
Molecular consequence: frameshift variant. On other transcripts: non-coding transcript variant (14).
Genome position (GRCh38, 1-based): chr5:7,885,727-7,885,731, AGATG deleted; deleting any 5 consecutive bases within chr5:7,885,726-7,885,731 gives the same sequence; the c. name uses the placement nearest the transcript's 3' end. VCF-style (leftmost placement, unchanged base first): chr5-7885725-GGAGAT-G. GRCh37 (hg19) VCF-style: chr5-7885838-GGAGAT-G.
Other names: c.930_934del, p.Asp311fs (NM_001364440.2, NM_001364441.2, NM_001364442.2 and 1 more transcripts); short protein forms D311fs.
Identifiers: ClinVar variation 2009670 (VCV002009670.4), dbSNP rs2478943007, ClinGen allele CA2580073155.